The following is an entry in ClinVar:

NM_001354483.2(CSGALNACT1):c.1593_1594del (p.Lys531fs)

Gene: CSGALNACT1 (chondroitin sulfate N-acetylgalactosaminyltransferase 1; minus strand). Cytogenetic location: 8p21.3.
Variant type: Deletion.
Coding change: c.1593_1594del on transcript NM_001354483.2 (MANE Select); coding-DNA positions 1593 to 1594, 2 bases deleted (AA; older notation c.1593_1594delAA).
Protein change: p.Lys531fs; shifts the reading frame from lysine 531.
Molecular consequence: frameshift variant. On other transcripts: non-coding transcript variant (7).
Genome position (GRCh38, 1-based): chr8:19,405,785-19,405,786, TT deleted on the plus strand (AA on the coding strand, the reverse complement: CSGALNACT1 is on the minus strand); deleting any 2 consecutive bases within chr8:19,405,785-19,405,791 gives the same sequence; the c. name uses the placement nearest the transcript's 3' end. VCF-style (leftmost placement, unchanged base first): chr8-19405784-GTT-G. GRCh37 (hg19) VCF-style: chr8-19263295-GTT-G.
Other names: c.1593_1594del, p.Lys531fs (NM_001130518.2, NM_001354475.2, NM_001354476.2 and 18 more transcripts); short protein forms K531fs.
Identifiers: ClinVar variation 1373692 (VCV001373692.6), dbSNP rs778908076, ClinGen allele CA2573142620.

ClinVar aggregate classification (germline): Uncertain significance (1 of 4 stars; one submission).

Submission:

Labcorp Genetics (formerly Invitae), Labcorp
Classification: Uncertain significance. Last evaluated: 2022-02-10. Review status: criteria provided, single submitter. Criteria: Invitae Variant Classification Sherloc (09022015). Collection method: clinical testing. Allele origin: germline.
Comment: In summary, the available evidence is currently insufficient to determine the role of this variant in disease. Therefore, it has been classified as a Variant of Uncertain Significance. This sequence change results in a frameshift in the CSGALNACT1 gene (p.Lys531Asnfs*31). While this is not anticipated to result in nonsense mediated decay, it is expected to disrupt the last 2 amino acid(s) of the CSGALNACT1 protein and extend the protein by 28 additional amino acid residues. This variant is not present in population databases (gnomAD no frequency). This variant has not been reported in the literature in individuals affected with CSGALNACT1-related conditions. Experimental studies and prediction algorithms are not available or were not evaluated, and the functional significance of this variant is currently unknown.